The following is an entry in ClinVar:

ClinVar aggregate classification (germline): Uncertain significance. Review status: criteria provided, multiple submitters, no conflicts (2 of 4 stars). 2 submissions from 2 submitters: Uncertain significance (2). Last evaluated 2023-01-03.

Allele frequency attached by ClinVar (database versions not stated): gnomAD exomes 0.00002 and 0.00005; ExAC 0.00004.
gnomAD v4.1: 30 of 1,613,764 alleles (0.0019%); highest among the groups gnomAD compares: South Asian, 0.02%; no homozygotes.

Submissions (2):

Labcorp Genetics (formerly Invitae), Labcorp
Classification: Uncertain significance. Last evaluated: 2023-01-03. Review status: criteria provided, single submitter. Criteria: Invitae Variant Classification Sherloc (09022015). Collection method: clinical testing. Allele origin: germline.
Comment: In summary, the available evidence is currently insufficient to determine the role of this variant in disease. Therefore, it has been classified as a Variant of Uncertain Significance. Advanced modeling of protein sequence and biophysical properties (such as structural, functional, and spatial information, amino acid conservation, physicochemical variation, residue mobility, and thermodynamic stability) performed at Invitae indicates that this missense variant is not expected to disrupt LHCGR protein function. ClinVar contains an entry for this variant (Variation ID: 1677888). This variant has not been reported in the literature in individuals affected with LHCGR-related conditions. This variant is present in population databases (rs758584973, gnomAD 0.03%). This sequence change replaces proline, which is neutral and non-polar, with leucine, which is neutral and non-polar, at codon 224 of the LHCGR protein (p.Pro224Leu).

AiLife Diagnostics
Classification: Uncertain significance. Last evaluated: 2022-02-04. Review status: criteria provided, single submitter. Criteria: ACMG Guidelines, 2015. Collection method: clinical testing. Allele origin: germline. Affected: yes. Observed: 1 variant allele.

NM_000233.4(LHCGR):c.671C>T (p.Pro224Leu)

Genes: LHCGR (luteinizing hormone/choriogonadotropin receptor; minus strand), STON1-GTF2A1L (STON1-GTF2A1L readthrough; plus strand). Cytogenetic location: 2p16.3.
Variant type: single nucleotide variant.
Coding change: c.671C>T on transcript NM_000233.4 (MANE Select); coding-DNA position 671, C replaced by T.
Protein change: p.Pro224Leu; replaces proline 224 with leucine.
Molecular consequence: missense variant. On other transcripts: intron variant (1).
Genome position (GRCh38, 1-based): chr2:48,708,957, G>A on the plus strand (C>T on the coding strand, the complement: LHCGR is on the minus strand). VCF-style: chr2-48708957-G-A. GRCh37 (hg19) VCF-style: chr2-48936096-G-A.
Other names: c.3441+37277G>A (NM_001198593.2); short protein forms P224L.
Identifiers: ClinVar variation 1677888 (VCV001677888.4), dbSNP rs758584973, ClinGen allele CA1653222.